The following is an entry in ClinVar:

NM_000535.7(PMS2):c.2113G>T (p.Glu705Ter)

Gene: PMS2 (PMS1 homolog 2, mismatch repair system component; minus strand). Cytogenetic location: 7p22.1.
Variant type: single nucleotide variant.
Coding change: c.2113G>T on transcript NM_000535.7 (MANE Select); coding-DNA position 2113, G replaced by T.
Protein change: p.Glu705Ter; replaces glutamic acid 705 with a stop codon.
Molecular consequence: nonsense. On other transcripts: non-coding transcript variant (1).
Genome position (GRCh38, 1-based): chr7:5,982,885, C>A on the plus strand (G>T on the coding strand, the complement: PMS2 is on the minus strand). VCF-style: chr7-5982885-C-A. GRCh37 (hg19) VCF-style: chr7-6022516-C-A.
Other names: c.1708G>T, p.Glu570Ter (NM_001322003.2, NM_001322004.2, NM_001322005.2 and 1 more transcripts); c.1957G>T, p.Glu653Ter (NM_001322006.2); c.1795G>T, p.Glu599Ter (NM_001322007.2, NM_001322008.2); c.1552G>T, p.Glu518Ter (NM_001322010.2); c.1180G>T, p.Glu394Ter (NM_001322011.2, NM_001322012.2); c.1540G>T, p.Glu514Ter (NM_001322013.2); c.2113G>T, p.Glu705Ter (NM_001322014.2); c.1804G>T, p.Glu602Ter (NM_001322015.2); short protein forms E514*, E570*, E518*, E394*, E599*, E602*, E705*, E653*.
Identifiers: ClinVar variation 820749 (VCV000820749.4), dbSNP rs267608161, ClinGen allele CA366737971.

ClinVar aggregate classification (germline): Pathogenic (1 of 4 stars; one submission).

Conditions:
Hereditary cancer-predisposing syndrome. Also called: Neoplastic Syndromes, Hereditary; Tumor predisposition; Hereditary Cancer Syndrome; Hereditary neoplastic syndrome. Identifiers: Orphanet 140162, MedGen C0027672, MeSH D009386, MONDO:0015356.

Submission:

Ambry Genetics
Classification: Pathogenic for Hereditary cancer-predisposing syndrome. Last evaluated: 2019-04-04. Review status: criteria provided, single submitter. Criteria: Ambry Variant Classification Scheme 2023. Collection method: clinical testing. Allele origin: germline.
Comment: The p.E705* pathogenic mutation (also known as c.2113G>T), located in coding exon 12 of the PMS2 gene, results from a G to T substitution at nucleotide position 2113. This changes the amino acid from a glutamic acid to a stop codon within coding exon 12. This alteration is expected to result in loss of function by premature protein truncation or nonsense-mediated mRNA decay. As such, this alteration is interpreted as a disease-causing mutation.